The following is an entry in ClinVar:

NM_001563.4(IMPG1):c.346C>T (p.Arg116Cys)

Gene: IMPG1 (interphotoreceptor matrix proteoglycan 1; minus strand). Cytogenetic location: 6q14.1.
Variant type: single nucleotide variant.
Coding change: c.346C>T on transcript NM_001563.4 (MANE Select); coding-DNA position 346, C replaced by T.
Protein change: p.Arg116Cys; replaces arginine 116 with cysteine.
Molecular consequence: missense variant.
Genome position (GRCh38, 1-based): chr6:76,034,743, G>A on the plus strand (C>T on the coding strand, the complement: IMPG1 is on the minus strand). VCF-style: chr6-76034743-G-A. GRCh37 (hg19) VCF-style: chr6-76744460-G-A.
Other names: c.112C>T, p.Arg38Cys (NM_001282368.2); c.346C>T (NM_001563.2); short protein forms R116C, R38C.
Identifiers: ClinVar variation 1430830 (VCV001430830.8), dbSNP rs772872123, ClinGen allele CA3898562.

ClinVar aggregate classification (germline): Uncertain significance. Review status: criteria provided, multiple submitters, no conflicts (2 of 4 stars). 3 submissions from 3 submitters: Uncertain significance (3). Last evaluated 2023-10-11.

Submissions (3):

Labcorp Genetics (formerly Invitae), Labcorp
Classification: Uncertain significance. Last evaluated: 2023-10-11. Review status: criteria provided, single submitter. Criteria: Invitae Variant Classification Sherloc (09022015). Collection method: clinical testing. Allele origin: germline.
Comment: This sequence change replaces arginine, which is basic and polar, with cysteine, which is neutral and slightly polar, at codon 116 of the IMPG1 protein (p.Arg116Cys). This variant is present in population databases (rs772872123, gnomAD 0.007%). This variant has not been reported in the literature in individuals affected with IMPG1-related conditions. ClinVar contains an entry for this variant (Variation ID: 1430830). An algorithm developed to predict the effect of missense changes on protein structure and function (PolyPhen-2) suggests that this variant is likely to be disruptive. Algorithms developed to predict the effect of sequence changes on RNA splicing suggest that this variant may create or strengthen a splice site. In summary, the available evidence is currently insufficient to determine the role of this variant in disease. Therefore, it has been classified as a Variant of Uncertain Significance.

Blueprint Genetics
Classification: Uncertain significance. Last evaluated: 2022-04-27. Review status: criteria provided, single submitter. Criteria: ACMG Guidelines, 2015. Collection method: clinical testing. Allele origin: germline.

Ambry Genetics
Classification: Uncertain significance. Last evaluated: 2021-10-06. Review status: criteria provided, single submitter. Criteria: Ambry Variant Classification Scheme 2023. Collection method: clinical testing. Allele origin: germline.